The following is an entry in ClinVar:

ClinVar aggregate classification (germline): Uncertain significance (1 of 4 stars; one submission).

Conditions:
Hermansky-Pudlak syndrome 2 (HPS2). Also called: Platelet defects and oculocutaneous albinism. Identifiers: Orphanet 183678, Orphanet 79430, MedGen C1842362, MONDO:0011997, OMIM 608233.

Allele frequency attached by ClinVar (database versions not stated): gnomAD exomes below 0.00001; TOPMed below 0.00001; gnomAD 0.00001.
gnomAD v4.1: 3 of 1,567,984 alleles (0.00019%); highest among the groups gnomAD compares: Non-Finnish European, 0.00026%; no homozygotes.

Submission:

Labcorp Genetics (formerly Invitae), Labcorp
Classification: Uncertain significance for Hermansky-Pudlak syndrome 2. Last evaluated: 2021-01-10. Review status: criteria provided, single submitter. Criteria: Invitae Variant Classification Sherloc (09022015). Collection method: clinical testing. Allele origin: germline.
Comment: In summary, the available evidence is currently insufficient to determine the role of this variant in disease. Therefore, it has been classified as a Variant of Uncertain Significance. Algorithms developed to predict the effect of missense changes on protein structure and function (SIFT, PolyPhen-2, Align-GVGD) all suggest that this variant is likely to be tolerated, but these predictions have not been confirmed by published functional studies and their clinical significance is uncertain. This variant has not been reported in the literature in individuals with AP3B1-related conditions. This variant is not present in population databases (ExAC no frequency). This sequence change replaces phenylalanine with leucine at codon 933 of the AP3B1 protein (p.Phe933Leu). The phenylalanine residue is moderately conserved and there is a small physicochemical difference between phenylalanine and leucine.

NM_003664.5(AP3B1):c.2799T>A (p.Phe933Leu)

Gene: AP3B1 (adaptor related protein complex 3 subunit beta 1; minus strand). Cytogenetic location: 5q14.1.
Variant type: single nucleotide variant.
Coding change: c.2799T>A on transcript NM_003664.5 (MANE Select); coding-DNA position 2799, T replaced by A.
Protein change: p.Phe933Leu; replaces phenylalanine 933 with leucine.
Molecular consequence: missense variant.
Genome position (GRCh38, 1-based): chr5:78,039,053, A>T on the plus strand (T>A on the coding strand, the complement: AP3B1 is on the minus strand). VCF-style: chr5-78039053-A-T. GRCh37 (hg19) VCF-style: chr5-77334877-A-T.
Other names: c.2652T>A, p.Phe884Leu (NM_001271769.2); short protein forms F933L, F884L.
Identifiers: ClinVar variation 1499531 (VCV001499531.8), dbSNP rs1747935041, ClinGen allele CA360331857.